The following is an entry in ClinVar:

NM_178012.5(TUBB2B):c.4C>T (p.Arg2Cys)

Gene: TUBB2B (tubulin beta 2B class IIb; minus strand). Cytogenetic location: 6p25.2.
Variant type: single nucleotide variant.
Coding change: c.4C>T on transcript NM_178012.5 (MANE Select); coding-DNA position 4, C replaced by T.
Protein change: p.Arg2Cys; replaces arginine 2 with cysteine.
Molecular consequence: missense variant.
Genome position (GRCh38, 1-based): chr6:3,227,540, G>A on the plus strand (C>T on the coding strand, the complement: TUBB2B is on the minus strand). VCF-style: chr6-3227540-G-A. GRCh37 (hg19) VCF-style: chr6-3227774-G-A.
Other names: short protein forms R2C.
Identifiers: ClinVar variation 4086071 (VCV004086071.1).
Genomic context (GRCh38, chr6:3,227,540, plus strand): 5'-CGCCCACCTTGGCGCCGATCTGGTTGCCGCACTGGCCCGCCTGGATGTGCACGATCTCAC[G>A]CATGGTGCCTCGTCAGCGTCCTCCTGGTCCGGCGGCGTCTGGGTCTGTCCGTCCTCCCCT-3'
Protein context (NP_821080.1, residues 1-12): M[Arg2Cys]EIVHIQAGQC

ClinVar aggregate classification (germline): Pathogenic (1 of 4 stars; one submission).

Conditions:
Complex cortical dysplasia with other brain malformations 7. Identifiers: Orphanet 300573, MedGen C3552236, MONDO:0012399, OMIM 610031.

Submission:

Molecular Genetics Laboratory, Motol Hospital
Classification: Pathogenic for Complex cortical dysplasia with other brain malformations 7. Last evaluated: 2025-09-15. Review status: criteria provided, single submitter. Criteria: ACMG Guidelines, 2015. Collection method: clinical testing. Allele origin: de novo. Affected: yes. Observed: 1 variant allele.
Comment: Not present in gnomAD (v4.1.0), dbSNP or ClinVar (PM2). Rare missense variants affecting the TUBB2B gene are associated with "complex cortical dysplasia with other brain malformations-7" (CDCBM7, MIM:610031; PMID:22333901;PMID:19465910;PMID:34592644;PMID:30704335). Different amino acid change is a known pathogenic variant (PM5). To conclude, the variant is classified as pathogenic (ACMG PM2, PS2, PP3, PM5).

Literature cited by the submitters: PubMed 22333901; PubMed 19465910; PubMed 34592644; PubMed 30704335.